The following is an entry in ClinVar:

NM_002691.4(POLD1):c.327G>C (p.Gln109His)

Gene: POLD1 (DNA polymerase delta 1, catalytic subunit; plus strand). Cytogenetic location: 19q13.33.
Variant type: single nucleotide variant.
Coding change: c.327G>C on transcript NM_002691.4 (MANE Select); coding-DNA position 327, G replaced by C.
Protein change: p.Gln109His; replaces glutamine 109 with histidine.
Molecular consequence: missense variant. On other transcripts: non-coding transcript variant (1).
Genome position (GRCh38, 1-based): chr19:50,401,788, G>C. VCF-style: chr19-50401788-G-C. GRCh37 (hg19) VCF-style: chr19-50905045-G-C.
Other names: c.327G>C (NM_002691.2); c.327G>C, p.Gln109His (NM_001256849.1, NM_001308632.1); short protein forms Q109H.
Identifiers: ClinVar variation 408038 (VCV000408038.16), dbSNP rs750260438, ClinGen allele CA9595702.

ClinVar aggregate classification (germline): Conflicting classifications of pathogenicity. Review status: criteria provided, conflicting classifications (1 of 4 stars). 5 submissions from 5 submitters: Uncertain significance (3); Likely benign (1). 1 of the submissions does not count toward it. Last evaluated 2024-09-30.

Conditions:
Hereditary cancer-predisposing syndrome. Also called: Neoplastic Syndromes, Hereditary; Hereditary neoplastic syndrome; Hereditary Cancer Syndrome; Tumor predisposition. Identifiers: Orphanet 140162, MedGen C0027672, MeSH D009386, MONDO:0015356.
POLD1-related polyposis and colorectal cancer syndrome (CRCS10). Also called: Colorectal cancer, susceptibility to, 10; Colorectal cancer 10; COLORECTAL CANCER, SUSCEPTIBILITY TO, ON CHROMOSOME 19q. Identifiers: Orphanet 220460, MedGen C2675481, MONDO:0012953, OMIM 612591.

Allele frequency attached by ClinVar (database versions not stated): gnomAD 0.00001; ExAC 0.00002; gnomAD exomes 0.00002; TOPMed 0.00002.
gnomAD v4.1: 26 of 1,612,432 alleles (0.0016%); highest among the groups gnomAD compares: Non-Finnish European, 0.0021%; no homozygotes.

Submissions (5):

Labcorp Genetics (formerly Invitae), Labcorp
Classification: Uncertain significance for POLD1-related polyposis and colorectal cancer syndrome. Last evaluated: 2024-09-30. Review status: criteria provided, single submitter. Criteria: Invitae Variant Classification Sherloc (09022015). Collection method: clinical testing. Allele origin: germline.
Comment: This sequence change replaces glutamine, which is neutral and polar, with histidine, which is basic and polar, at codon 109 of the POLD1 protein (p.Gln109His). This variant is present in population databases (rs750260438, gnomAD 0.004%). This variant has not been reported in the literature in individuals affected with POLD1-related conditions. ClinVar contains an entry for this variant (Variation ID: 408038). An algorithm developed to predict the effect of missense changes on protein structure and function (PolyPhen-2) suggests that this variant¬†is likely to be tolerated. In summary, the available evidence is currently insufficient to determine the role of this variant in disease. Therefore, it has been classified as a Variant of Uncertain Significance.

Ambry Genetics
Classification: Likely benign for Hereditary cancer-predisposing syndrome. Last evaluated: 2024-03-13. Review status: criteria provided, single submitter. Criteria: Ambry Variant Classification Scheme 2023. Collection method: clinical testing. Allele origin: germline.

GeneDx
Classification: Uncertain significance. Last evaluated: 2024-02-21. Review status: criteria provided, single submitter. Criteria: GeneDx Variant Classification Process June 2021. Collection method: clinical testing. Allele origin: germline. Affected: yes.
Comment: Not observed at significant frequency in large population cohorts (gnomAD); In silico analysis supports that this missense variant does not alter protein structure/function; Has not been previously published as pathogenic or benign to our knowledge

Mendelics
Classification: Uncertain significance for POLD1-related polyposis and colorectal cancer syndrome. Last evaluated: 2019-05-28. Review status: criteria provided, single submitter. Criteria: Mendelics Assertion Criteria 2017. Collection method: clinical testing. Allele origin: unknown.

True Health Diagnostics
Classification: Uncertain significance for Hereditary cancer-predisposing syndrome. Last evaluated: 2017-11-08. Review status: no assertion criteria provided. Collection method: clinical testing. Allele origin: germline. Not counted in ClinVar's aggregate classification.